The following is an entry in ClinVar:

NM_000026.4(ADSL):c.580C>T (p.Arg194Cys)

Gene: ADSL (adenylosuccinate lyase; plus strand). Cytogenetic location: 22q13.1.
Variant type: single nucleotide variant.
Coding change: c.580C>T on transcript NM_000026.4 (MANE Select); coding-DNA position 580, C replaced by T.
Protein change: p.Arg194Cys; replaces arginine 194 with cysteine.
Molecular consequence: missense variant. On other transcripts: non-coding transcript variant (1).
Genome position (GRCh38, 1-based): chr22:40,358,961, C>T. VCF-style: chr22-40358961-C-T. GRCh37 (hg19) VCF-style: chr22-40754965-C-T.
Other names: c.580C>T, p.Arg194Cys (NM_001123378.3, NM_001363840.3); c.388C>T, p.Arg130Cys (NM_001317923.2); c.580C>T (NM_000026.2); short protein forms R130C, R194C.
Identifiers: ClinVar variation 1502335 (VCV001502335.11), dbSNP rs1465152683, ClinGen allele CA411641054.

ClinVar aggregate classification (germline): Conflicting classifications of pathogenicity. Review status: criteria provided, conflicting classifications (1 of 4 stars). 3 submissions from 3 submitters: Likely pathogenic (2); Uncertain significance (1). Last evaluated 2023-11-15.

Conditions:
Adenylosuccinate lyase deficiency (ADSLD). Also called: ADSL DEFICIENCY. Identifiers: Orphanet 46, MedGen C0268126, MONDO:0007068, OMIM 103050.

Allele frequency attached by ClinVar (database versions not stated): gnomAD exomes below 0.00001; gnomAD 0.00001.
gnomAD v4.1: 4 of 1,614,050 alleles (0.00025%); highest among the groups gnomAD compares: African/African-American, 0.0013%; no homozygotes.

Submissions (3):

GeneDx
Classification: Uncertain significance. Last evaluated: 2023-11-15. Review status: criteria provided, single submitter. Criteria: GeneDx Variant Classification Process June 2021. Collection method: clinical testing. Allele origin: germline. Affected: yes.
Comment: Not observed at significant frequency in large population cohorts (gnomAD); In silico analysis supports that this missense variant has a deleterious effect on protein structure/function; This variant is associated with the following publications: (PMID: 10888601, 20127976, 19405474, 21210713, 17188615)

Labcorp Genetics (formerly Invitae), Labcorp
Classification: Likely pathogenic for Adenylosuccinate lyase deficiency. Last evaluated: 2021-06-05. Review status: criteria provided, single submitter. Criteria: Invitae Variant Classification Sherloc (09022015). Collection method: clinical testing. Allele origin: germline.
Comment: Experimental studies have shown that this variant affects ADSL protein function (PMID: 10888601, 20127976). In summary, the currently available evidence indicates that the variant is pathogenic, but additional data are needed to prove that conclusively. Therefore, this variant has been classified as Likely Pathogenic. Advanced modeling of protein sequence and biophysical properties (such as structural, functional, and spatial information, amino acid conservation, physicochemical variation, residue mobility, and thermodynamic stability) performed at Invitae indicates that this missense variant is expected to disrupt ADSL protein function. This variant has been observed in individual(s) with clinical features of ADSL-related conditions (PMID: 10888601, 17188615). This variant is not present in population databases (ExAC no frequency). This sequence change replaces arginine with cysteine at codon 194 of the ADSL protein (p.Arg194Cys). The arginine residue is highly conserved and there is a large physicochemical difference between arginine and cysteine.

Juno Genomics, Hangzhou Juno Genomics, Inc
Classification: Likely pathogenic for Adenylosuccinate lyase deficiency. Review status: criteria provided, single submitter. Criteria: ACMG Guidelines, 2015. Collection method: clinical testing. Allele origin: germline.
Comment: Absent from controls (or at extremely low frequency if recessive) in Genome Aggregation Database.;Well-established in vitro or in vivo functional studies supportive of a damaging effect on the gene or gene product.;For recessive disorders, detected in trans with a pathogenic variant.;Patient's phenotype or family history is highly specific for a disease with a single genetic etiology.

Literature cited by the submitters: PubMed 10888601 (cited by Labcorp Genetics (formerly Invitae), Labcorp); PubMed 20127976 (cited by Labcorp Genetics (formerly Invitae), Labcorp); PubMed 17188615 (cited by Labcorp Genetics (formerly Invitae), Labcorp).